The following is an entry in ClinVar:

ClinVar aggregate classification (germline): Uncertain significance. Review status: criteria provided, multiple submitters, no conflicts (2 of 4 stars). 2 submissions from 2 submitters: Uncertain significance (2). Last evaluated 2025-09-25.

Conditions:
Norman-Roberts syndrome (LIS2). Also called: Lissencephaly 2 (Norman-Roberts type). Identifiers: Orphanet 89844, MedGen C0796089, MONDO:0009760, OMIM 257320.
Familial temporal lobe epilepsy 7. Identifiers: Orphanet 101046, MedGen C4225327, MONDO:0014639, OMIM 616436.
Inborn genetic diseases. Identifiers: MedGen C0950123, MeSH D030342.

Allele frequency attached by ClinVar (database versions not stated): gnomAD exomes below 0.00001; gnomAD 0.00001; TOPMed 0.00004.
gnomAD v4.1: 5 of 1,614,068 alleles (0.00031%); highest among the groups gnomAD compares: Admixed American, 0.0033%; no homozygotes.

Submissions (2):

Labcorp Genetics (formerly Invitae), Labcorp
Classification: Uncertain significance for Familial temporal lobe epilepsy 7; Norman-Roberts syndrome. Last evaluated: 2025-09-25. Review status: criteria provided, single submitter. Criteria: Invitae Variant Classification Sherloc (09022015). Collection method: clinical testing. Allele origin: germline.
Comment: This sequence change replaces valine, which is neutral and non-polar, with leucine, which is neutral and non-polar, at codon 3278 of the RELN protein (p.Val3278Leu). This variant is present in population databases (no rsID available, gnomAD 0.003%). This variant has not been reported in the literature in individuals affected with RELN-related conditions. ClinVar contains an entry for this variant (Variation ID: 835843). Invitae Evidence Modeling of protein sequence and biophysical properties (such as structural, functional, and spatial information, amino acid conservation, physicochemical variation, residue mobility, and thermodynamic stability) indicates that this missense variant is not expected to disrupt RELN protein function with a negative predictive value of 80%. In summary, the available evidence is currently insufficient to determine the role of this variant in disease. Therefore, it has been classified as a Variant of Uncertain Significance.

Ambry Genetics
Classification: Uncertain significance for Inborn genetic diseases. Last evaluated: 2023-10-28. Review status: criteria provided, single submitter. Criteria: Ambry Variant Classification Scheme 2023. Collection method: clinical testing. Allele origin: germline.

NM_005045.4(RELN):c.9832G>C (p.Val3278Leu)

Genes: SLC26A5-AS1 (SLC26A5 antisense RNA 1; plus strand), RELN (reelin; minus strand). Cytogenetic location: 7q22.1.
Variant type: single nucleotide variant.
Coding change: c.9832G>C on transcript NM_005045.4 (MANE Select); coding-DNA position 9832, G replaced by C.
Protein change: p.Val3278Leu; replaces valine 3278 with leucine.
Molecular consequence: missense variant.
Genome position (GRCh38, 1-based): chr7:103,486,348, C>G on the plus strand (G>C on the coding strand, the complement: RELN is on the minus strand). VCF-style: chr7-103486348-C-G. GRCh37 (hg19) VCF-style: chr7-103126795-C-G.
Other names: c.9832G>C, p.Val3278Leu (NM_173054.3); short protein forms V3278L.
Identifiers: ClinVar variation 835843 (VCV000835843.10), dbSNP rs1381921892, ClinGen allele CA368741923.